The following is an entry in ClinVar:

NM_198271.5(LMOD3):c.1423G>A (p.Ala475Thr)

Gene: LMOD3 (leiomodin 3; minus strand). Cytogenetic location: 3p14.1.
Variant type: single nucleotide variant.
Coding change: c.1423G>A on transcript NM_198271.5 (MANE Select); coding-DNA position 1423, G replaced by A.
Protein change: p.Ala475Thr; replaces alanine 475 with threonine.
Molecular consequence: missense variant.
Genome position (GRCh38, 1-based): chr3:69,118,932, C>T on the plus strand (G>A on the coding strand, the complement: LMOD3 is on the minus strand). VCF-style: chr3-69118932-C-T. GRCh37 (hg19) VCF-style: chr3-69168083-C-T.
Other names: c.1423G>A, p.Ala475Thr (NM_001304418.3); c.1423G>A (NM_198271.3); short protein forms A475T.
Identifiers: ClinVar variation 937750 (VCV000937750.6), dbSNP rs200273352, ClinGen allele CA2488786.
Genomic context (GRCh38, chr3:69,118,932, plus strand): 5'-GCTGGATTCTCTTCAGCTTCACCACCCGGAAGGAGTCAGGGTCTGTCCTGTACTTCGGGG[C>T]CTGCGATGGCTTTTTCATCATTTCACTGCGTTGACTAAAGGGGACATTTTGGGGGTTGGG-3'
Protein context (NP_938012.2, residues 465-485): RSEMMKKPSQ[Ala475Thr]PKYRTDPDSF

ClinVar aggregate classification (germline): Uncertain significance. Review status: criteria provided, multiple submitters, no conflicts (2 of 4 stars). 2 submissions from 2 submitters: Uncertain significance (2). Last evaluated 2025-08-20.

Conditions:
Inborn genetic diseases. Identifiers: MedGen C0950123, MeSH D030342.
Nemaline myopathy 10 (NEM10). Identifiers: MedGen C4015360, MONDO:0014513, OMIM 616165.

Allele frequency attached by ClinVar (database versions not stated): gnomAD exomes 0.00002 and 0.00006; ExAC 0.00005; ESP Exome Variant Server 0.00024; gnomAD 0.00026; TOPMed 0.00026.

Submissions (2):

Ambry Genetics
Classification: Uncertain significance for Inborn genetic diseases. Last evaluated: 2025-08-20. Review status: criteria provided, single submitter. Criteria: Ambry Variant Classification Scheme 2023. Collection method: clinical testing. Allele origin: germline.

Labcorp Genetics (formerly Invitae), Labcorp
Classification: Uncertain significance for Nemaline myopathy 10. Last evaluated: 2022-04-05. Review status: criteria provided, single submitter. Criteria: Invitae Variant Classification Sherloc (09022015). Collection method: clinical testing. Allele origin: germline.
Comment: This sequence change replaces alanine, which is neutral and non-polar, with threonine, which is neutral and polar, at codon 475 of the LMOD3 protein (p.Ala475Thr). This variant is present in population databases (rs200273352, gnomAD 0.1%). This variant has not been reported in the literature in individuals affected with LMOD3-related conditions. ClinVar contains an entry for this variant (Variation ID: 937750). Algorithms developed to predict the effect of missense changes on protein structure and function (SIFT, PolyPhen-2, Align-GVGD) all suggest that this variant is likely to be tolerated. In summary, the available evidence is currently insufficient to determine the role of this variant in disease. Therefore, it has been classified as a Variant of Uncertain Significance.